The following is an entry in ClinVar:

NM_152268.4(PARS2):c.-29-216A>G

Gene: PARS2 (prolyl-tRNA synthetase 2, mitochondrial; minus strand). Cytogenetic location: 1p32.3.
Variant type: single nucleotide variant.
Coding change: c.-29-216A>G on transcript NM_152268.4 (MANE Select); 216 bases into the intron before 29 bases upstream of the start codon, A replaced by G.
Molecular consequence: intron variant.
Genome position (GRCh38, 1-based): chr1:54,759,406, T>C on the plus strand (A>G on the coding strand, the complement: PARS2 is on the minus strand). VCF-style: chr1-54759406-T-C. GRCh37 (hg19) VCF-style: chr1-55225079-T-C.
Identifiers: ClinVar variation 683316 (VCV000683316.1), dbSNP rs11587442, ClinGen allele CA16053758.

ClinVar aggregate classification (germline): Benign (1 of 4 stars; one submission).

Allele frequency attached by ClinVar (database versions not stated): TOPMed 0.14653; gnomAD 0.15086 and 0.15269; 1000 Genomes Project 30x 0.15397; 1000 Genomes Project 0.15915.
gnomAD v4.1: 23,224 of 152,196 alleles (15%); highest among the groups gnomAD compares: Middle Eastern, 22%; 1,820 homozygotes.

Submission:

GeneDx
Classification: Benign. Last evaluated: 2018-06-14. Review status: criteria provided, single submitter. Criteria: GeneDx Variant Classification (06012015). Collection method: clinical testing. Allele origin: germline. Affected: yes.
Comment: This variant is considered likely benign or benign based on one or more of the following criteria: it is a conservative change, it occurs at a poorly conserved position in the protein, it is predicted to be benign by multiple in silico algorithms, and/or has population frequency not consistent with disease.